The following is an entry in ClinVar:

ClinVar aggregate classification (germline): Likely benign (0 of 4 stars; one submission).

Conditions:
RPGRIP1L-related disorder. Also called: RPGRIP1L-related condition; RPGRIP1L-related disorders. Identifiers: MedGen CN239416.

Submission:

PreventionGenetics, part of Exact Sciences
Classification: Likely benign for RPGRIP1L-related condition. Last evaluated: 2023-08-16. Review status: no assertion criteria provided. Collection method: clinical testing. Allele origin: germline.
Comment: This variant is classified as likely benign based on ACMG/AMP sequence variant interpretation guidelines (Richards et al. 2015 PMID: 25741868, with internal and published modifications).

NM_015272.5(RPGRIP1L):c.1296G>T (p.Leu432=)

Gene: RPGRIP1L (RPGRIP1 like; minus strand). Cytogenetic location: 16q12.2.
Variant type: single nucleotide variant.
Coding change: c.1296G>T on transcript NM_015272.5 (MANE Select); coding-DNA position 1296, G replaced by T.
Protein change: p.Leu432=; no amino-acid change (leucine 432 retained).
Molecular consequence: synonymous variant.
Genome position (GRCh38, 1-based): chr16:53,658,826, C>A on the plus strand (G>T on the coding strand, the complement: RPGRIP1L is on the minus strand). VCF-style: chr16-53658826-C-A. GRCh37 (hg19) VCF-style: chr16-53692738-C-A.
Other names: c.1296G>T, p.Leu432= (NM_001127897.4, NM_001308334.3, NM_001330538.2).
Identifiers: ClinVar variation 3349995 (VCV003349995.1).